The following is an entry in ClinVar:

ClinVar aggregate classification (germline): Likely benign (1 of 4 stars; one submission).

Allele frequency attached by ClinVar (database versions not stated): TOPMed 0.00009; gnomAD 0.00010; gnomAD exomes 0.00012; ExAC 0.00021.
gnomAD v4.1: 196 of 1,613,570 alleles (0.012%); highest among the groups gnomAD compares: East Asian, 0.025%; no homozygotes.

Submission:

CeGaT Center for Human Genetics Tuebingen
Classification: Likely benign. Last evaluated: 2025-08-01. Review status: criteria provided, single submitter. Criteria: CeGaT Center For Human Genetics Tuebingen Variant Classification Criteria Version 2. Collection method: clinical testing. Allele origin: germline. Affected: yes. Observed: 2 variant alleles.
Comment: CIC: BS2

NM_001386298.1(CIC):c.3073G>T (p.Val1025Leu)

Gene: CIC (capicua transcriptional repressor; plus strand). Cytogenetic location: 19q13.2.
Variant type: single nucleotide variant.
Coding change: c.3073G>T on transcript NM_001386298.1 (MANE Select); coding-DNA position 3073, G replaced by T.
Protein change: p.Val1025Leu; replaces valine 1025 with leucine.
Molecular consequence: missense variant.
Genome position (GRCh38, 1-based): chr19:42,287,134, G>T. VCF-style: chr19-42287134-G-T. GRCh37 (hg19) VCF-style: chr19-42791286-G-T.
Other names: c.3073G>T, p.Val1025Leu (NM_001304815.2, NM_001379480.1, NM_001379482.1 and 1 more transcripts); c.346G>T, p.Val116Leu (NM_001379484.1, NM_001379485.1, NM_015125.5); short protein forms V1025L, V116L.
Identifiers: ClinVar variation 3025115 (VCV003025115.22), dbSNP rs61741480, ClinGen allele CA9471689.